The following is an entry in ClinVar:

NM_001042492.3(NF1):c.394del (p.Ala132fs)

Gene: NF1 (neurofibromin 1; plus strand). Cytogenetic location: 17q11.2.
Variant type: Deletion.
Coding change: c.394del on transcript NM_001042492.3 (MANE Select); coding-DNA position 394, one base deleted (G; older notation c.394delG).
Protein change: p.Ala132fs; shifts the reading frame from alanine 132.
Molecular consequence: frameshift variant.
Genome position (GRCh38, 1-based): chr17:31,163,291, G deleted. VCF-style (leftmost placement, unchanged base first): chr17-31163290-AG-A. GRCh37 (hg19) VCF-style: chr17-29490308-AG-A.
Other names: c.394delG, p.Ala132Leufs (NM_000267.4); c.394del, p.Ala132fs (NM_001128147.3); short protein forms A132fs.
Identifiers: ClinVar variation 2811181 (VCV002811181.3), dbSNP rs2544701053, ClinGen allele CA2739267314.
Genomic context (GRCh38, chr17:31,163,290, plus strand): 5'-ACAGTTGCTGCCAGAAATCTGCCATTTTCTTCACACCTGTCGTGAAGGAAACCAGCATGC[AG>A]CTGAACTTCGGAATTCTGCCTCTGGGGTTTTATTTTCTCTCAGCTGCAACAACTTCAATG-3'

ClinVar aggregate classification (germline): Pathogenic (1 of 4 stars; one submission).

Conditions:
Neurofibromatosis, type 1 (NF1). Also called: NEUROFIBROMATOSIS, TYPE I, SOMATIC; Peripheral type neurofibromatosis; VON RECKLINGHAUSEN DISEASE; Neurofibromatosis, type I. Identifiers: Orphanet 636, MedGen C0027831, MONDO:0018975, OMIM 162200. Disease mechanism: loss of function.

Submission:

Labcorp Genetics (formerly Invitae), Labcorp
Classification: Pathogenic for Neurofibromatosis, type 1. Last evaluated: 2022-11-01. Review status: criteria provided, single submitter. Criteria: Invitae Variant Classification Sherloc (09022015). Collection method: clinical testing. Allele origin: germline.
Comment: This variant has not been reported in the literature in individuals affected with NF1-related conditions. This sequence change creates a premature translational stop signal (p.Ala132Leufs*33) in the NF1 gene. It is expected to result in an absent or disrupted protein product. Loss-of-function variants in NF1 are known to be pathogenic (PMID: 10712197, 23913538). This variant is not present in population databases (gnomAD no frequency). For these reasons, this variant has been classified as Pathogenic.

Literature cited by the submitters: PubMed 10712197; PubMed 23913538.